The following is an entry in ClinVar:

NM_007294.4(BRCA1):c.2386del (p.Thr796fs)

Gene: BRCA1 (BRCA1 DNA repair associated; minus strand). Cytogenetic location: 17q21.31.
Variant type: Deletion.
Coding change: c.2386del on transcript NM_007294.4 (MANE Select); coding-DNA position 2386, one base deleted (A; older notation c.2386delA).
Protein change: p.Thr796fs; shifts the reading frame from threonine 796.
Molecular consequence: frameshift variant. On other transcripts: intron variant (137).
Genome position (GRCh38, 1-based): chr17:43,093,145, T deleted on the plus strand (A on the coding strand, the reverse complement: BRCA1 is on the minus strand); the first of 5 consecutive T bases (chr17:43,093,145-43,093,149); deleting any one gives the same sequence. VCF-style (leftmost placement, unchanged base first): chr17-43093144-GT-G. GRCh37 (hg19) VCF-style: chr17-41245161-GT-G.
Other names: c.2386delA (NM_007294.3); c.2377del, p.Thr793fs (NM_001407647.1, NM_001407646.1); c.2263del, p.Thr755fs (NM_001407648.1, NM_001407664.1, NM_001407665.1 and 19 more transcripts); c.2260del, p.Thr754fs (NM_001407649.1, NM_001407670.1, NM_001407671.1 and 11 more transcripts); c.2386del, p.Thr796fs (NM_001407652.1, NM_001407684.1, NM_001407854.1 and 30 more transcripts); c.2308del, p.Thr770fs (NM_001407653.1, NM_001407654.1, NM_001407655.1 and 4 more transcripts); c.2305del, p.Thr769fs (NM_001407659.1, NM_001407660.1, NM_001407661.1 and 1 more transcripts); c.2245del, p.Thr749fs (NM_001407692.1, NM_001407694.1, NM_001407695.1 and 29 more transcripts); and 43 more; short protein forms T796fs, T749fs, T628fs, T668fs, T685fs, T707fs, T725fs, T728fs.
Identifiers: ClinVar variation 662411 (VCV000662411.10), dbSNP rs398122657, ClinGen allele CA915950080.

ClinVar aggregate classification (germline): Pathogenic (1 of 4 stars; one submission).

Conditions:
Hereditary breast ovarian cancer syndrome. Also called: Hereditary breast and ovarian cancer syndrome (HBOC); Hereditary breast and ovarian cancer syndrome; Breast and ovarian cancer; Hereditary breast and ovarian cancer; Hereditary breast and/or ovarian cancer syndrome; BRCA1- and BRCA2-Associated Hereditary Breast and Ovarian Cancer. Identifiers: Orphanet 145, MedGen C0677776, MeSH D061325, MONDO:0003582. Disease mechanism: loss of function.

Submission:

Labcorp Genetics (formerly Invitae), Labcorp
Classification: Pathogenic for Hereditary breast ovarian cancer syndrome. Last evaluated: 2019-01-05. Review status: criteria provided, single submitter. Criteria: Invitae Variant Classification Sherloc (09022015). Collection method: clinical testing. Allele origin: germline.
Comment: For these reasons, this variant has been classified as Pathogenic. Loss-of-function variants in BRCA1 are known to be pathogenic (PMID: 20104584). This variant has not been reported in the literature in individuals with BRCA1-related disease. This variant is not present in population databases (ExAC no frequency). This sequence change creates a premature translational stop signal (p.Thr796Glnfs*7) in the BRCA1 gene. It is expected to result in an absent or disrupted protein product.

Literature cited by the submitters: PubMed 20104584.